The following is an entry in ClinVar:

NM_001130987.2(DYSF):c.952-3C>G

Gene: DYSF (dysferlin; plus strand). Cytogenetic location: 2p13.2.
Variant type: single nucleotide variant.
Coding change: c.952-3C>G on transcript NM_001130987.2 (MANE Select); 3 bases into the intron before coding-DNA position 952, C replaced by G.
Molecular consequence: intron variant.
Genome position (GRCh38, 1-based): chr2:71,516,986, C>G. VCF-style: chr2-71516986-C-G. GRCh37 (hg19) VCF-style: chr2-71744116-C-G.
Other names: c.949-3C>G (NM_001130979.2, NM_001130981.2, NM_001130980.2); c.856-3C>G (NM_001130978.2, NM_003494.4, NM_001130977.2 and 1 more transcripts); c.952-3C>G (NM_001130982.2, NM_001130985.2, NM_001130987.1); c.859-3C>G (NM_001130983.2, NM_001130455.2, NM_001130984.2 and 1 more transcripts).
Identifiers: ClinVar variation 2585260 (VCV002585260.1), dbSNP rs2086724243, ClinGen allele CA2582342404.
Genomic context (GRCh38, chr2:71,516,986, plus strand): 5'-TGGGTTGGCCGTGTGGGCCACATGTTCCCTGTGAATGTGAGTTTCCATGATCTTTCTCTG[C>G]AGGTGGTAGACTCTCGTTCTCTCAGGACAGATGCTCTCCTCGGGGAGTTCCGGGTAATTG-3'

ClinVar aggregate classification (germline): Uncertain significance. Review status: criteria provided, single submitter (1 of 4 stars). 2 submissions from 1 submitter: Uncertain significance (2).

Conditions:
Autosomal recessive limb-girdle muscular dystrophy type 2B (LGMDR2). Also called: Limb-Girdle Muscular Dystrophy Type 2B (LGMD2B); Limb-girdle muscular dystrophy, type 2B; MUSCULAR DYSTROPHY, LIMB-GIRDLE, TYPE 3; MUSCULAR DYSTROPHY, LIMB-GIRDLE, AUTOSOMAL RECESSIVE 2. Identifiers: Orphanet 268, MedGen C1850889, MONDO:0009676, OMIM 253601.
Miyoshi muscular dystrophy 1 (MMD1). Identifiers: Orphanet 45448, MedGen C4551973, MONDO:0024545, OMIM 254130.

Submissions (2):

Neuberg Centre For Genomic Medicine, NCGM
Classification: Uncertain significance for Miyoshi muscular dystrophy 1. Review status: criteria provided, single submitter. Criteria: ACMG Guidelines, 2015. Collection method: clinical testing. Allele origin: germline. Inheritance: Autosomal recessive inheritance. Affected: yes.
Comment: The splice site c.952-3C>G variant in DYSF gene has not been reported previously as a pathogenic variant nor as a benign variant, to our knowledge. The variant is novel (not in any individuals) in gnomAD Exomes and 1000 Genomes. For these reasons, this variant has been classified as Variant of Uncertain Significance (VUS).

Neuberg Centre For Genomic Medicine, NCGM
Classification: Uncertain significance for Autosomal recessive limb-girdle muscular dystrophy type 2B. Review status: criteria provided, single submitter. Criteria: ACMG Guidelines, 2015. Collection method: clinical testing. Allele origin: germline. Inheritance: Autosomal recessive inheritance. Affected: yes.
Comment: The splice region variant c.952-3C>G in DYSF (NM_001130987.2) has not been reported previously as a pathogenic variant nor as a benign variant, to our knowledge. The c.952-3C>G variant is novel (not in any individuals) in gnomAD Exomes and is novel (not in any individuals) in 1000 Genomes. The c.952-3C>G variant is not predicted to disrupt splicing by 3 of 4 splice site algorithms. The c.952-3C>G variant results in a substitution of a base that is not predicted conserved by GERP++ and PhyloP. For these reasons, this variant has been classified as Uncertain Significance.